The following is an entry in ClinVar:

NM_032122.5(DTNBP1):c.921C>G (p.Thr307=)

Gene: DTNBP1 (dystrobrevin binding protein 1; minus strand). Cytogenetic location: 6p22.3.
Variant type: single nucleotide variant.
Coding change: c.921C>G on transcript NM_032122.5 (MANE Select); coding-DNA position 921, C replaced by G.
Protein change: p.Thr307=; no amino-acid change (threonine 307 retained).
Molecular consequence: synonymous variant.
Genome position (GRCh38, 1-based): chr6:15,523,110, G>C on the plus strand (C>G on the coding strand, the complement: DTNBP1 is on the minus strand). VCF-style: chr6-15523110-G-C. GRCh37 (hg19) VCF-style: chr6-15523341-G-C.
Other names: c.678C>G, p.Thr226= (NM_001271667.2, NM_183041.1); c.870C>G, p.Thr290= (NM_001271668.2); c.816C>G, p.Thr272= (NM_001271669.2).
Identifiers: ClinVar variation 2901718 (VCV002901718.5), dbSNP rs375607347, ClinGen allele CA3643694.

ClinVar aggregate classification (germline): Likely benign. Review status: criteria provided, single submitter (1 of 4 stars). 2 submissions from 2 submitters: Likely benign (1). 1 of the submissions does not count toward it. Last evaluated 2025-08-04.

Conditions:
DTNBP1-related disorder. Also called: DTNBP1-related condition.

Allele frequency attached by ClinVar (database versions not stated): gnomAD 0.00004; TOPMed 0.00004; gnomAD exomes below 0.00001; ExAC 0.00001; ESP Exome Variant Server 0.00008.
gnomAD v4.1: 8 of 1,614,126 alleles (0.0005%); highest among the groups gnomAD compares: African/African-American, 0.0093%; no homozygotes.

Submissions (2):

Labcorp Genetics (formerly Invitae), Labcorp
Classification: Likely benign. Last evaluated: 2025-08-04. Review status: criteria provided, single submitter. Criteria: Invitae Variant Classification Sherloc (09022015). Collection method: clinical testing. Allele origin: germline.

PreventionGenetics, part of Exact Sciences
Classification: Likely benign for DTNBP1-related condition. Last evaluated: 2019-08-14. Review status: no assertion criteria provided. Collection method: clinical testing. Allele origin: germline. Not counted in ClinVar's aggregate classification.
Comment: This variant is classified as likely benign based on ACMG/AMP sequence variant interpretation guidelines (Richards et al. 2015 PMID: 25741868, with internal and published modifications).